The following is an entry in ClinVar:

NC_012920.1(MT-CO2):m.7608G>A

Gene: MT-CO2 (mitochondrially encoded cytochrome c oxidase II; plus strand).
Variant type: single nucleotide variant.
Genome position: chrM-7608-G-A.
Identifiers: ClinVar variation 692750 (VCV000692750.1), dbSNP rs1603221035, ClinGen allele CA414792966.
Genomic context (GRCh38, chrMT:7,608, plus strand): 5'-GTCAAAGTTAAATTATAGGCTAAATCCTATATATCTTAATGGCACATGCAGCGCAAGTAG[G>A]TCTACAAGACGCTACTTCCCCTATCATAGAAGAGCTTATCACCTTTCATGATCACGCCCT-3'

ClinVar aggregate classification (germline): Uncertain significance (1 of 4 stars; one submission).

Conditions:
Leigh syndrome (NULS). Also called: Leigh's necrotizing encephalopathy; Leigh's disease; Leigh Syndrome (mtDNA deletion); Leigh Disease; Subacute necrotizing encephalopathy; Necrotizing encephalopathy infantile subacute of Leigh. Identifiers: Orphanet 506, MedGen C2931891, MONDO:0009723, OMIM 256000.

Submission:

Wong Mito Lab, Molecular and Human Genetics, Baylor College of Medicine
Classification: Uncertain significance for Leigh syndrome. Last evaluated: 2019-10-17. Review status: criteria provided, single submitter. Criteria: Modified ACMG Guidelines (Unpublished). Collection method: clinical testing. Allele origin: germline.
Comment: The NC_012920.1:m.7608G>A (YP_003024029.1:p.Gly8Asp) variant in MTCO2 gene is interpretated to be a Uncertain Significance variant based on the modified ACMG guidelines (unpublished). This variant meets the following evidence codes: PP7